The following is an entry in ClinVar:

NM_181507.2(HPS5):c.863A>C (p.Gln288Pro)

Gene: HPS5 (HPS5 biogenesis of lysosomal organelles complex 2 subunit 2; minus strand). Cytogenetic location: 11p15.1.
Variant type: single nucleotide variant.
Coding change: c.863A>C on transcript NM_181507.2 (MANE Select); coding-DNA position 863, A replaced by C.
Protein change: p.Gln288Pro; replaces glutamine 288 with proline.
Molecular consequence: missense variant.
Genome position (GRCh38, 1-based): chr11:18,305,455, T>G on the plus strand (A>C on the coding strand, the complement: HPS5 is on the minus strand). VCF-style: chr11-18305455-T-G. GRCh37 (hg19) VCF-style: chr11-18327002-T-G.
Other names: c.521A>C, p.Gln174Pro (NM_007216.4, NM_181508.2); short protein forms Q288P, Q174P.
Identifiers: ClinVar variation 1481219 (VCV001481219.5), dbSNP rs1862238179, ClinGen allele CA379501214.

ClinVar aggregate classification (germline): Uncertain significance (1 of 4 stars; one submission).

gnomAD v4.1: 27 of 1,611,214 alleles (0.0017%); highest among the groups gnomAD compares: Non-Finnish European, 0.0023%; no homozygotes.

Submission:

Labcorp Genetics (formerly Invitae), Labcorp
Classification: Uncertain significance. Last evaluated: 2022-08-05. Review status: criteria provided, single submitter. Criteria: Invitae Variant Classification Sherloc (09022015). Collection method: clinical testing. Allele origin: germline.
Comment: This sequence change replaces glutamine, which is neutral and polar, with proline, which is neutral and non-polar, at codon 288 of the HPS5 protein (p.Gln288Pro). This variant is not present in population databases (gnomAD no frequency). This variant has not been reported in the literature in individuals affected with HPS5-related conditions. ClinVar contains an entry for this variant (Variation ID: 1481219). Algorithms developed to predict the effect of missense changes on protein structure and function are either unavailable or do not agree on the potential impact of this missense change (SIFT: "Deleterious"; PolyPhen-2: "Possibly Damaging"; Align-GVGD: "Class C0"). In summary, the available evidence is currently insufficient to determine the role of this variant in disease. Therefore, it has been classified as a Variant of Uncertain Significance.